The following is an entry in ClinVar:

ClinVar aggregate classification (germline): Uncertain significance (1 of 4 stars; one submission).

Conditions:
Hereditary spastic paraplegia 30. Identifiers: Orphanet 101010, MedGen C5235139, MONDO:0012476.
Neuropathy, hereditary sensory, type 2C. Also called: Hereditary sensory and autonomic neuropathy type IIC; KIF1A-Related HSAN2 (HSAN2C). Identifiers: Orphanet 970, MedGen C3280168, MONDO:0013634, OMIM 614213.
Intellectual disability, autosomal dominant 9 (NESCAVS). Also called: NESCAV SYNDROME; KIF1A-Related Neurodevelopmental Disorder. Identifiers: Orphanet 662367, MedGen C5393830, MONDO:0013656, OMIM 614255.

gnomAD v4.1: 2 of 1,601,540 alleles (0.00012%); highest among the groups gnomAD compares: Non-Finnish European, 0.00017%; no homozygotes.

Submission:

Labcorp Genetics (formerly Invitae), Labcorp
Classification: Uncertain significance for Hereditary spastic paraplegia 30; Neuropathy, hereditary sensory, type 2C; Intellectual disability, autosomal dominant 9. Last evaluated: 2019-12-08. Review status: criteria provided, single submitter. Criteria: Invitae Variant Classification Sherloc (09022015). Collection method: clinical testing. Allele origin: germline.
Comment: In summary, the available evidence is currently insufficient to determine the role of this variant in disease. Therefore, it has been classified as a Variant of Uncertain Significance. Nucleotide substitutions within the consensus splice site are a relatively common cause of aberrant splicing (PMID: 17576681, 9536098). Algorithms developed to predict the effect of sequence changes on RNA splicing suggest that this variant may disrupt the consensus splice site, but this prediction has not been confirmed by published transcriptional studies. Algorithms developed to predict the effect of missense changes on protein structure and function (SIFT, PolyPhen-2, Align-GVGD) all suggest that this variant is likely to be tolerated, but these predictions have not been confirmed by published functional studies and their clinical significance is uncertain. This variant has not been reported in the literature in individuals with KIF1A-related conditions. This variant is not present in population databases (ExAC no frequency). This sequence change replaces arginine with glutamine at codon 1677 of the KIF1A protein (p.Arg1677Gln). The arginine residue is moderately conserved and there is a small physicochemical difference between arginine and glutamine. This variant also falls at the last nucleotide of exon 45 of the KIF1A coding sequence, which is part of the consensus splice site for this exon.

Literature cited by the submitters: PubMed 17576681; PubMed 9536098.

NM_001244008.2(KIF1A):c.5333G>A (p.Arg1778Gln)

Gene: KIF1A (kinesin family member 1A; minus strand). Cytogenetic location: 2q37.3.
Variant type: single nucleotide variant.
Coding change: c.5333G>A on transcript NM_001244008.2 (MANE Select); coding-DNA position 5333, G replaced by A.
Protein change: p.Arg1778Gln; replaces arginine 1778 with glutamine.
Molecular consequence: missense variant.
Genome position (GRCh38, 1-based): chr2:240,718,050, C>T on the plus strand (G>A on the coding strand, the complement: KIF1A is on the minus strand). VCF-style: chr2-240718050-C-T. GRCh37 (hg19) VCF-style: chr2-241657467-C-T.
Other names: c.5057G>A, p.Arg1686Gln (NM_001320705.2, NM_001379649.1); c.5084G>A, p.Arg1695Gln (NM_001330289.2); c.5132G>A, p.Arg1711Gln (NM_001330290.2, NM_001379648.1); c.5408G>A, p.Arg1803Gln (NM_001379631.1); c.5309G>A, p.Arg1770Gln (NM_001379632.1); c.5306G>A, p.Arg1769Gln (NM_001379633.1, NM_001379645.1); c.5159G>A, p.Arg1720Gln (NM_001379634.1); c.5156G>A, p.Arg1719Gln (NM_001379635.1, NM_001379646.1); and 8 more; short protein forms R1695Q, R1778Q, R1686Q, R1677Q, R1711Q, R1665Q, R1715Q, R1769Q.
Identifiers: ClinVar variation 847187 (VCV000847187.10), dbSNP rs1373988210, ClinGen allele CA351297324.
Genomic context (GRCh38, chr2:240,718,050, plus strand): 5'-CAGGAGCCGGTTGAGGGCAGGACCCCCATGGCAGCAACCTCGCCCTGCAGGCGGCCCTAC[C>T]GTATGGTCCCGGCCAGGAGGGGGTTGAAGGCGTACAGCCAGTCATGCATGTCCTTGTCGC-3'
Protein context (NP_001230937.1, residues 1768-1788): AFNPLLAGTI[Arg1778Gln]SKLSRRRSAQ